The following is an entry in ClinVar:

NM_013339.4(ALG6):c.178A>G (p.Ser60Gly)

Gene: ALG6 (ALG6 alpha-1,3-glucosyltransferase; plus strand). Cytogenetic location: 1p31.3.
Variant type: single nucleotide variant.
Coding change: c.178A>G on transcript NM_013339.4 (MANE Select); coding-DNA position 178, A replaced by G.
Protein change: p.Ser60Gly; replaces serine 60 with glycine.
Molecular consequence: missense variant.
Genome position (GRCh38, 1-based): chr1:63,402,264, A>G. VCF-style: chr1-63402264-A-G. GRCh37 (hg19) VCF-style: chr1-63867935-A-G.
Other names: short protein forms S60G.
Identifiers: ClinVar variation 2131544 (VCV002131544.4), dbSNP rs1330438032, ClinGen allele CA340634055.

ClinVar aggregate classification (germline): Uncertain significance (1 of 4 stars; one submission).

Conditions:
ALG6-congenital disorder of glycosylation 1C (CDG1C). Also called: CARBOHYDRATE-DEFICIENT GLYCOPROTEIN SYNDROME, TYPE I, WITH DEFICIENT GLYCOSYLATION OF DOLICHOL-LINKED OLIGOSACCHARIDE; CARBOHYDRATE-DEFICIENT GLYCOPROTEIN SYNDROME, TYPE V; Congenital disorder of glycosylation type 1C; Congenital disorder of glycosylation, type Ic; CDG Ic. Identifiers: Orphanet 79320, MedGen C2930997, MONDO:0011291, OMIM 603147.

Submission:

Labcorp Genetics (formerly Invitae), Labcorp
Classification: Uncertain significance for ALG6-congenital disorder of glycosylation 1C. Last evaluated: 2022-04-28. Review status: criteria provided, single submitter. Criteria: Invitae Variant Classification Sherloc (09022015). Collection method: clinical testing. Allele origin: germline.
Comment: In summary, the available evidence is currently insufficient to determine the role of this variant in disease. Therefore, it has been classified as a Variant of Uncertain Significance. Algorithms developed to predict the effect of missense changes on protein structure and function output the following: SIFT: "Tolerated"; PolyPhen-2: "Benign"; Align-GVGD: "Class C0". The glycine amino acid residue is found in multiple mammalian species, which suggests that this missense change does not adversely affect protein function. This variant has not been reported in the literature in individuals affected with ALG6-related conditions. This variant is not present in population databases (gnomAD no frequency). This sequence change replaces serine, which is neutral and polar, with glycine, which is neutral and non-polar, at codon 60 of the ALG6 protein (p.Ser60Gly).